The following is an entry in ClinVar:

NM_005732.4(RAD50):c.3036+5G>C

Gene: RAD50 (RAD50 double strand break repair protein; plus strand). Cytogenetic location: 5q31.1.
Variant type: single nucleotide variant.
Coding change: c.3036+5G>C on transcript NM_005732.4 (MANE Select); 5 bases into the intron after coding-DNA position 3036, G replaced by C.
Molecular consequence: intron variant.
Genome position (GRCh38, 1-based): chr5:132,609,401, G>C. VCF-style: chr5-132609401-G-C. GRCh37 (hg19) VCF-style: chr5-131945093-G-C.
Identifiers: ClinVar variation 1799085 (VCV001799085.7), dbSNP rs181016343, ClinGen allele CA1583229710.
Genomic context (GRCh38, chr5:132,609,401, plus strand): 5'-AAGAAAAGATAAATGAAGATATGAGACTCATGAGACAAGATATTGATACACAGAAGGTAG[G>C]TCTGTTTTGCTTATGATATCACTTACACCTATGACATTCTTTTCTATAGTTTTATTTTCA-3'

ClinVar aggregate classification (germline): Uncertain significance. Review status: criteria provided, multiple submitters, no conflicts (2 of 4 stars). 2 submissions from 2 submitters: Uncertain significance (2). Last evaluated 2023-10-15.

Conditions:
Hereditary cancer-predisposing syndrome. Also called: Neoplastic Syndromes, Hereditary; Tumor predisposition; Hereditary Cancer Syndrome; Hereditary neoplastic syndrome. Identifiers: Orphanet 140162, MedGen C0027672, MeSH D009386, MONDO:0015356.

Submissions (2):

Labcorp Genetics (formerly Invitae), Labcorp
Classification: Uncertain significance for Hereditary cancer-predisposing syndrome. Last evaluated: 2023-10-15. Review status: criteria provided, single submitter. Criteria: Invitae Variant Classification Sherloc (09022015). Collection method: clinical testing. Allele origin: germline.
Comment: This sequence change falls in intron 19 of the RAD50 gene. It does not directly change the encoded amino acid sequence of the RAD50 protein. It affects a nucleotide within the consensus splice site. This variant is not present in population databases (gnomAD no frequency). This variant has not been reported in the literature in individuals affected with RAD50-related conditions. ClinVar contains an entry for this variant (Variation ID: 1799085). Variants that disrupt the consensus splice site are a relatively common cause of aberrant splicing (PMID: 17576681, 9536098). Algorithms developed to predict the effect of sequence changes on RNA splicing suggest that this variant is not likely to affect RNA splicing. In summary, the available evidence is currently insufficient to determine the role of this variant in disease. Therefore, it has been classified as a Variant of Uncertain Significance.

Ambry Genetics
Classification: Uncertain significance for Hereditary cancer-predisposing syndrome. Last evaluated: 2016-05-24. Review status: criteria provided, single submitter. Criteria: Ambry Variant Classification Scheme 2023. Collection method: clinical testing. Allele origin: germline.
Comment: The c.3036+5G>C intronic variant results from a G to C substitution 5 nucleotides after coding exon 19 in the RAD50 gene. This variant was not reported in population based cohorts in the following databases: Database of Single Nucleotide Polymorphisms (dbSNP), NHLBI Exome Sequencing Project (ESP), and 1000 Genomes Project. In the ESP, this variant was not observed in 6497 samples (12994 alleles) with coverage at this position. To date, this alteration has been detected with an allele frequency of approximately 0.001% (greater than 175000 alleles tested) in our clinical cohort. This nucleotide position is well conserved in available vertebrate species. Using the BDGP and ESEfinder splice site prediction tools, this alteration is predicted to weaken the efficiency of the native splice donor site; however, direct evidence is unavailable. Since supporting evidence is limited at this time, the clinical significance of this alteration remains unclear.

Literature cited by the submitters: PubMed 17576681 (cited by Labcorp Genetics (formerly Invitae), Labcorp); PubMed 9536098 (cited by Labcorp Genetics (formerly Invitae), Labcorp).